The following is an entry in ClinVar:

NM_025137.4(SPG11):c.6062G>A (p.Arg2021Gln)

Gene: SPG11 (SPG11 vesicle trafficking associated, spatacsin; minus strand). Cytogenetic location: 15q21.1.
Variant type: single nucleotide variant.
Coding change: c.6062G>A on transcript NM_025137.4 (MANE Select); coding-DNA position 6062, G replaced by A.
Protein change: p.Arg2021Gln; replaces arginine 2021 with glutamine.
Molecular consequence: missense variant. On other transcripts: intron variant (1).
Genome position (GRCh38, 1-based): chr15:44,573,690, C>T on the plus strand (G>A on the coding strand, the complement: SPG11 is on the minus strand). VCF-style: chr15-44573690-C-T. GRCh37 (hg19) VCF-style: chr15-44865888-C-T.
Other names: c.5867-870G>A (NM_001160227.2); short protein forms R2021Q.
Identifiers: ClinVar variation 659350 (VCV000659350.10), dbSNP rs375420533, ClinGen allele CA7534267.
Genomic context (GRCh38, chr15:44,573,690, plus strand): 5'-GTGCTGATGAAGGCCTGGGCTCGTTTGCATCGGTCAGGCTGCTGAGAGGCCAAGATTTTC[C>T]GGAGCATGGCTTCACCATCCTGAGCAGCAACATCTGTGTAGGAACAGCCCAACTCCTGAG-3'
Protein context (NP_079413.3, residues 2011-2031): VAAQDGEAML[Arg2021Gln]KILASQQPDR

ClinVar aggregate classification (germline): Conflicting classifications of pathogenicity. Review status: criteria provided, conflicting classifications (1 of 4 stars). 3 submissions from 3 submitters: Uncertain significance (2); Likely benign (1). Last evaluated 2026-01-22.

Conditions:
Hereditary spastic paraplegia 11. Also called: SPASTIC PARAPLEGIA, AUTOSOMAL RECESSIVE, COMPLICATED, WITH THIN CORPUS CALLOSUM; SPASTIC PARAPLEGIA, AUTOSOMAL RECESSIVE, WITH MENTAL IMPAIRMENT AND THIN CORPUS CALLOSUM; Spastic paraplegia, mental retardation and thin corpus callosum; Nakamura Osame syndrome; Autosomal recessive hereditary spastic paraplegia, mental impairment, and thin corpus callosum; Spastic Paraplegia 11. Identifiers: Orphanet 2822, MedGen C1858479, MONDO:0011445, OMIM 604360.

Allele frequency attached by ClinVar (database versions not stated): gnomAD 0.00003 and 0.00005; TOPMed 0.00004; ExAC 0.00007; gnomAD exomes 0.00010.
gnomAD v4.1: 76 of 1,614,168 alleles (0.0047%); highest among the groups gnomAD compares: East Asian, 0.051%; no homozygotes.

Submissions (3):

Labcorp Genetics (formerly Invitae), Labcorp
Classification: Likely benign for Hereditary spastic paraplegia 11. Last evaluated: 2026-01-22. Review status: criteria provided, single submitter. Criteria: Invitae Variant Classification Sherloc (09022015). Collection method: clinical testing. Allele origin: germline.

GeneDx
Classification: Uncertain significance. Last evaluated: 2024-07-29. Review status: criteria provided, single submitter. Criteria: GeneDx Variant Classification Process June 2021. Collection method: clinical testing. Allele origin: germline. Affected: yes.
Comment: Identified in a patient with amyotrophic lateral sclerosis who also harbored a variant in the ALS2 gene (PMID: 26601740); In silico analysis indicates that this missense variant does not alter protein structure/function; This variant is associated with the following publications: (PMID: 35982160, 34011629, 25363768, 28867142, 28714951, 35982159, 31785789, 31133750, 26601740)

Breakthrough Genomics
Classification: Uncertain significance. Review status: criteria provided, single submitter. Criteria: ACMG Guidelines, 2015. Collection method: not provided. Allele origin: germline. Inheritance: Autosomal recessive inheritance. Affected: yes.